The following is an entry in ClinVar:

NM_004370.6(COL12A1):c.8946G>T (p.Leu2982Phe)

Gene: COL12A1 (collagen type XII alpha 1 chain; minus strand). Cytogenetic location: 6q13.
Variant type: single nucleotide variant.
Coding change: c.8946G>T on transcript NM_004370.6 (MANE Select); coding-DNA position 8946, G replaced by T.
Protein change: p.Leu2982Phe; replaces leucine 2982 with phenylalanine.
Molecular consequence: missense variant.
Genome position (GRCh38, 1-based): chr6:75,089,170, C>A on the plus strand (G>T on the coding strand, the complement: COL12A1 is on the minus strand). VCF-style: chr6-75089170-C-A. GRCh37 (hg19) VCF-style: chr6-75798886-C-A.
Other names: c.5454G>T, p.Leu1818Phe (NM_080645.3); short protein forms L1818F, L2982F.
Identifiers: ClinVar variation 1012085 (VCV001012085.9), dbSNP rs1767642437, ClinGen allele CA364733540.

ClinVar aggregate classification (germline): Uncertain significance (1 of 4 stars; one submission).

Conditions:
Ullrich congenital muscular dystrophy 2 (UCMD2). Identifiers: Orphanet 75840, MedGen C4225314, MONDO:0014654, OMIM 616470.
Bethlem myopathy 2 (BTHLM2). Identifiers: Orphanet 536516, Orphanet 610, MedGen C4225313, MONDO:0034022, OMIM 616471.

Allele frequency attached by ClinVar (database versions not stated): gnomAD exomes below 0.00001.
gnomAD v4.1: 2 of 1,608,436 alleles (0.00012%); highest among the groups gnomAD compares: Admixed American, 0.0017%; no homozygotes.

Submission:

Labcorp Genetics (formerly Invitae), Labcorp
Classification: Uncertain significance for Bethlem myopathy 2; Ullrich congenital muscular dystrophy 2. Last evaluated: 2018-05-17. Review status: criteria provided, single submitter. Criteria: Invitae Variant Classification Sherloc (09022015). Collection method: clinical testing. Allele origin: germline.
Comment: Algorithms developed to predict the effect of missense changes on protein structure and function are either unavailable or do not agree on the potential impact of this missense change (SIFT: "Deleterious"; PolyPhen-2: "Possibly Damaging"; Align-GVGD: "Class C0"). In summary, the available evidence is currently insufficient to determine the role of this variant in disease. Therefore, it has been classified as a Variant of Uncertain Significance. This variant has not been reported in the literature in individuals with COL12A1-related disease. This variant is not present in population databases (ExAC no frequency). This sequence change replaces leucine with phenylalanine at codon 2982 of the COL12A1 protein (p.Leu2982Phe). The leucine residue is moderately conserved and there is a small physicochemical difference between leucine and phenylalanine.